The following is an entry in ClinVar:

ClinVar aggregate classification (germline): Benign/Likely benign. Review status: criteria provided, multiple submitters, no conflicts (2 of 4 stars). 2 submissions from 2 submitters: Benign (1); Likely benign (1). Last evaluated 2025-07-22.

Conditions:
Familial cancer of breast. Also called: hereditary breast carcinoma; Hereditary breast cancer; BREAST CANCER, FAMILIAL. Identifiers: Orphanet 227535, MedGen C0346153, MONDO:0016419, OMIM 114480. Disease mechanism: loss of function.
Ataxia-telangiectasia syndrome (AT). Also called: Cerebello-oculocutaneous telangiectasia; Immunodeficiency with ataxia telangiectasia; AT, COMPLEMENTATION GROUP C; ATAXIA-TELANGIECTASIA, FRESNO VARIANT; ATAXIA-TELANGIECTASIA, COMPLEMENTATION GROUP A; Ataxia-telangiectasia. Identifiers: Orphanet 100, MedGen C0004135, MONDO:0008840, OMIM 208900.

Allele frequency attached by ClinVar (database versions not stated): gnomAD exomes below 0.00001.
gnomAD v4.1: 1 of 1,613,384 alleles (0.000062%); highest among the groups gnomAD compares: Non-Finnish European, 0.000085%; no homozygotes.

Submissions (2):

Labcorp Genetics (formerly Invitae), Labcorp
Classification: Likely benign for Ataxia-telangiectasia syndrome. Last evaluated: 2025-07-22. Review status: criteria provided, single submitter. Criteria: Invitae Variant Classification Sherloc (09022015). Collection method: clinical testing. Allele origin: germline.

Myriad Genetics, Inc.
Classification: Benign for Familial cancer of breast. Last evaluated: 2024-05-01. Review status: criteria provided, single submitter. Criteria: Myriad Autosomal Dominant, Autosomal Recessive and X-Linked Classification Criteria (2023). Collection method: clinical testing. Allele origin: unknown.
Comment: This variant is considered benign. This variant is a silent/synonymous amino acid change and it is not expected to impact splicing.

NM_000051.4(ATM):c.1765T>C (p.Leu589=)

Gene: ATM (ATM serine/threonine kinase; plus strand). Cytogenetic location: 11q22.3.
Variant type: single nucleotide variant.
Coding change: c.1765T>C on transcript NM_000051.4 (MANE Select); coding-DNA position 1765, T replaced by C.
Protein change: p.Leu589=; no amino-acid change (leucine 589 retained).
Molecular consequence: synonymous variant.
Genome position (GRCh38, 1-based): chr11:108,251,994, T>C. VCF-style: chr11-108251994-T-C. GRCh37 (hg19) VCF-style: chr11-108122721-T-C.
Other names: c.1765T>C, p.Leu589= (NM_001351834.2).
Identifiers: ClinVar variation 2895448 (VCV002895448.4), dbSNP rs2135343600, ClinGen allele CA476672185.
Genomic context (GRCh38, chr11:108,251,994, plus strand): 5'-AGCTTTTCTTTAAAGGAATCAATAATGAAATGGCTCTTATTCTATCAGTTAGAGGGTGAC[T>C]TAGAAAATAGCACAGAAGTGCCTCCAATTCTTCACAGGTAATTTAAGTTCATTAGCATGC-3'
Protein context (NP_000042.3, residues 579-599): WLLFYQLEGD[Leu589=]ENSTEVPPIL